The following is an entry in ClinVar:

NM_014249.4(NR2E3):c.701G>T (p.Trp234Leu)

Gene: NR2E3 (nuclear receptor subfamily 2 group E member 3; plus strand). Cytogenetic location: 15q23.
Variant type: single nucleotide variant.
Coding change: c.701G>T on transcript NM_014249.4 (MANE Select); coding-DNA position 701, G replaced by T.
Protein change: p.Trp234Leu; replaces tryptophan 234 with leucine.
Molecular consequence: missense variant.
Genome position (GRCh38, 1-based): chr15:71,812,465, G>T. VCF-style: chr15-71812465-G-T. GRCh37 (hg19) VCF-style: chr15-72104805-G-T.
Other names: c.701G>T (NM_014249.3); c.701G>T, p.Trp234Leu (NM_016346.4); short protein forms W234L.
Identifiers: ClinVar variation 1463222 (VCV001463222.7), dbSNP rs1200322637, ClinGen allele CA393035622.
Genomic context (GRCh38, chr15:71,812,465, plus strand): 5'-CCTGCGGCCTGGACAGCATCCATGAGACCTCGGCTCGCCTACTCTTCATGGCCGTCAAGT[G>T]GGCCAAGAACCTGCCTGTGTTCTCCAGCCTGCCCTTCCGGGATCAGGTACCTACCGGCCT-3'
Protein context (NP_055064.1, residues 224-244): SARLLFMAVK[Trp234Leu]AKNLPVFSSL

ClinVar aggregate classification (germline): Uncertain significance. Review status: criteria provided, multiple submitters, no conflicts (2 of 4 stars). 2 submissions from 2 submitters: Uncertain significance (2). Last evaluated 2024-12-18.

Conditions:
NR2E3-related disorder. Also called: NR2E3-related condition; NR2E3-related disorders. Identifiers: MedGen CN239387.

Allele frequency attached by ClinVar (database versions not stated): gnomAD exomes below 0.00001; gnomAD 0.00001.
gnomAD v4.1: 2 of 1,613,698 alleles (0.00012%); highest among the groups gnomAD compares: African/African-American, 0.0027%; no homozygotes.

Submissions (2):

PreventionGenetics, part of Exact Sciences
Classification: Uncertain significance for NR2E3-related condition. Last evaluated: 2024-12-18. Review status: criteria provided, single submitter. Criteria: ACMG Guidelines, 2015. Collection method: clinical testing. Allele origin: germline.
Comment: The NR2E3 c.701G>T variant is predicted to result in the amino acid substitution p.Trp234Leu. To our knowledge, this variant has not been reported in the literature. An alternate substitution of this amino acid residue (p.Tro234Ser) has been reported in an individual with enhanced S cone syndrome (Haider et al. 2000. PubMed ID: 10655056). This variant is present in 0.0065% of alleles in individuals of African descent in gnomAD. Although we suspect that this variant may be pathogenic, at this time, the clinical significance of this variant is uncertain due to the absence of conclusive functional and genetic evidence.

Labcorp Genetics (formerly Invitae), Labcorp
Classification: Uncertain significance. Last evaluated: 2022-03-09. Review status: criteria provided, single submitter. Criteria: Invitae Variant Classification Sherloc (09022015). Collection method: clinical testing. Allele origin: germline.
Comment: This sequence change replaces tryptophan with leucine at codon 234 of the NR2E3 protein (p.Trp234Leu). The tryptophan residue is highly conserved and there is a small physicochemical difference between tryptophan and leucine. This variant is present in population databases (no rsID available, gnomAD 0.007%). This missense change has been observed in individual(s) with NR2E3-related conditions (Invitae). Experimental studies and prediction algorithms are not available or were not evaluated, and the functional significance of this variant is currently unknown. In summary, the available evidence is currently insufficient to determine the role of this variant in disease. Therefore, it has been classified as a Variant of Uncertain Significance.